The following is an entry in ClinVar:

NM_001315494.2(MYMX):c.31C>T (p.Arg11Ter)

Gene: MYMX (myomixer, myoblast fusion factor; plus strand). Cytogenetic location: 6p21.1.
Variant type: single nucleotide variant.
Coding change: c.31C>T on transcript NM_001315494.2 (MANE Select); coding-DNA position 31, C replaced by T.
Protein change: p.Arg11Ter; replaces arginine 11 with a stop codon.
Molecular consequence: nonsense.
Genome position (GRCh38, 1-based): chr6:44,217,502, C>T. VCF-style: chr6-44217502-C-T. GRCh37 (hg19) VCF-style: chr6-44185239-C-T.
Other names: c.31C>T, p.Arg11Ter (NM_001347931.2); short protein forms R11*.
Identifiers: ClinVar variation 4855053 (VCV004855053.1).

ClinVar aggregate classification (germline): Likely pathogenic (1 of 4 stars; one submission).

Conditions:
Carey-Fineman-Ziter syndrome 2 (CFZS2). Identifiers: MedGen C5677012, MONDO:0100292, OMIM 619941.

gnomAD v4.1: 10 of 404,738 alleles (0.0025%); highest among the groups gnomAD compares: Non-Finnish European, 0.0044%; no homozygotes.

Submission:

3billion
Classification: Likely pathogenic for Carey-Fineman-Ziter syndrome 2. Last evaluated: 2025-11-11. Review status: criteria provided, single submitter. Criteria: ACMG Guidelines, 2015. Collection method: clinical testing. Allele origin: germline. Affected: yes.
Comment: The variant is observed at an extremely low frequency in the gnomAD v4.1.0 dataset (total allele frequency: 0.002%). Predicted Consequence/Location: Stop-gained (nonsense): predicted to result in a loss or disruption of normal protein function through protein truncation. The predicted truncated protein may be shortened by more than 10%. Therefore, this variant is classified as Likely pathogenic according to the recommendation of ACMG/AMP guideline.